The following is an entry in ClinVar:

ClinVar aggregate classification (germline): Uncertain significance (1 of 4 stars; one submission).

Conditions:
Carnitine palmitoyl transferase 1A deficiency. Also called: Carnitine palmitoyltransferase 1A deficiency; CPT I DEFICIENCY; CPT DEFICIENCY, HEPATIC, TYPE I; CPT deficiency, hepatic, type IA; Carnitine palmitoyltransferase type I deficiency. Identifiers: Orphanet 156, MedGen C1829703, MONDO:0009705, OMIM 255120.

Allele frequency attached by ClinVar (database versions not stated): gnomAD 0.00001; gnomAD exomes 0.00001; TOPMed 0.00001; ExAC 0.00002; ESP Exome Variant Server 0.00008.
gnomAD v4.1: 15 of 1,612,186 alleles (0.00093%); highest among the groups gnomAD compares: Non-Finnish European, 0.0013%; no homozygotes.

Submission:

Labcorp Genetics (formerly Invitae), Labcorp
Classification: Uncertain significance for Carnitine palmitoyl transferase 1A deficiency. Last evaluated: 2024-04-29. Review status: criteria provided, single submitter. Criteria: Invitae Variant Classification Sherloc (09022015). Collection method: clinical testing. Allele origin: germline.
Comment: This sequence change replaces proline, which is neutral and non-polar, with leucine, which is neutral and non-polar, at codon 703 of the CPT1A protein (p.Pro703Leu). This variant is present in population databases (rs143980178, gnomAD 0.002%). This variant has not been reported in the literature in individuals affected with CPT1A-related conditions. ClinVar contains an entry for this variant (Variation ID: 2150036). Advanced modeling of protein sequence and biophysical properties (such as structural, functional, and spatial information, amino acid conservation, physicochemical variation, residue mobility, and thermodynamic stability) has been performed at Invitae for this missense variant, however the output from this modeling did not meet the statistical confidence thresholds required to predict the impact of this variant on CPT1A protein function. In summary, the available evidence is currently insufficient to determine the role of this variant in disease. Therefore, it has been classified as a Variant of Uncertain Significance.

NM_001876.4(CPT1A):c.2108C>T (p.Pro703Leu)

Gene: CPT1A (carnitine palmitoyltransferase 1A; minus strand). Cytogenetic location: 11q13.3.
Variant type: single nucleotide variant.
Coding change: c.2108C>T on transcript NM_001876.4 (MANE Select); coding-DNA position 2108, C replaced by T.
Protein change: p.Pro703Leu; replaces proline 703 with leucine.
Molecular consequence: missense variant.
Genome position (GRCh38, 1-based): chr11:68,760,259, G>A on the plus strand (C>T on the coding strand, the complement: CPT1A is on the minus strand). VCF-style: chr11-68760259-G-A. GRCh37 (hg19) VCF-style: chr11-68527727-G-A.
Other names: c.2108C>T, p.Pro703Leu (NM_001031847.3); short protein forms P703L.
Identifiers: ClinVar variation 2150036 (VCV002150036.3), dbSNP rs143980178, ClinGen allele CA6152098.